The following is an entry in ClinVar:

ClinVar aggregate classification (germline): Uncertain significance (1 of 4 stars; one submission).

Submission:

Ambry Genetics
Classification: Uncertain significance. Last evaluated: 2022-12-04. Review status: criteria provided, single submitter. Criteria: Ambry Variant Classification Scheme 2023. Collection method: clinical testing. Allele origin: germline.
Comment: The p.H945L variant (also known as c.2834A>T), located in coding exon 25 of the KIF1B gene, results from an A to T substitution at nucleotide position 2834. The histidine at codon 945 is replaced by leucine, an amino acid with similar properties. This amino acid position is conserved. In addition, this alteration is predicted to be deleterious by in silico analysis. Since supporting evidence is limited at this time, the clinical significance of this alteration remains unclear.

NM_001365951.3(KIF1B):c.2972A>T (p.His991Leu)

Gene: KIF1B (kinesin family member 1B; plus strand). Cytogenetic location: 1p36.22.
Variant type: single nucleotide variant.
Coding change: c.2972A>T on transcript NM_001365951.3 (MANE Select); coding-DNA position 2972, A replaced by T.
Protein change: p.His991Leu; replaces histidine 991 with leucine.
Molecular consequence: missense variant.
Genome position (GRCh38, 1-based): chr1:10,334,567, A>T. VCF-style: chr1-10334567-A-T. GRCh37 (hg19) VCF-style: chr1-10394625-A-T.
Other names: c.2972A>T, p.His991Leu (NM_001365952.1); c.2834A>T, p.His945Leu (NM_015074.3); short protein forms H991L, H945L.
Identifiers: ClinVar variation 2448723 (VCV002448723.2), dbSNP rs2521700427, ClinGen allele CA338338679.
Genomic context (GRCh38, chr1:10,334,567, plus strand): 5'-TTTCTGTCTTTAGGGCATTTGTTTACCTGAGCAATCTGCTGTATCCCGTGCCCCTGATCC[A>T]CAGGGTGGCCATCGTCAGTGAGAAAGGTGAAGTGCGGGGATTTCTGCGTGTGGCTGTACA-3'
Protein context (NP_001352880.1, residues 981-1001): SNLLYPVPLI[His991Leu]RVAIVSEKGE